The following is an entry in ClinVar:

NM_001379500.1(COL18A1):c.2982_2990dup (p.Ser997_Phe998insProProSer)

Genes: COL18A1 (collagen type XVIII alpha 1 chain; plus strand), SLC19A1 (solute carrier family 19 member 1; minus strand). Cytogenetic location: 21q22.3.
Variant type: Duplication.
Coding change: c.2982_2990dup on transcript NM_001379500.1 (MANE Select); coding-DNA positions 2982 to 2990, 9 bases duplicated (GCCCCCTTC; older notation c.2982_2990dupGCCCCCTTC).
Protein change: p.Ser997_Phe998insProProSer.
Genome position (GRCh38, 1-based): chr21:45,505,247-45,505,255, GCCCCCTTC duplicated. VCF-style (leftmost placement, unchanged base first): chr21-45505246-G-GGCCCCCTTC. GRCh37 (hg19) VCF-style: chr21-46925160-G-GGCCCCCTTC.
Other names: c.3513_3521dup, p.Ser1174_Phe1175insProProSer (NM_030582.4); c.4218_4226dup, p.Ser1409_Phe1410insProProSer (NM_130444.3).
Identifiers: ClinVar variation 3053786 (VCV003053786.1), dbSNP rs2517792360, ClinGen allele CA2740094755.

ClinVar aggregate classification (germline): Likely benign (1 of 4 stars; one submission).

Conditions:
COL18A1-related disorder. Also called: COL18A1-related disorders; COL18A1-related condition.

Submission:

PreventionGenetics, part of Exact Sciences
Classification: Likely benign for COL18A1-related condition. Last evaluated: 2023-12-29. Review status: criteria provided, single submitter. Criteria: ACMG Guidelines, 2015. Collection method: clinical testing. Allele origin: germline.
Comment: This variant is classified as likely benign based on ACMG/AMP sequence variant interpretation guidelines (Richards et al. 2015 PMID: 25741868, with internal and published modifications).